The following is an entry in ClinVar:

NM_004415.4(DSP):c.954A>C (p.Gln318His)

Gene: DSP (desmoplakin; plus strand). Cytogenetic location: 6p24.3.
Variant type: single nucleotide variant.
Coding change: c.954A>C on transcript NM_004415.4 (MANE Select); coding-DNA position 954, A replaced by C.
Protein change: p.Gln318His; replaces glutamine 318 with histidine.
Molecular consequence: missense variant.
Genome position (GRCh38, 1-based): chr6:7,566,391, A>C. VCF-style: chr6-7566391-A-C. GRCh37 (hg19) VCF-style: chr6-7566624-A-C.
Other names: c.954A>C, p.Gln318His (NM_001008844.3, NM_001319034.2); short protein forms Q318H.
Identifiers: ClinVar variation 1445178 (VCV001445178.6), dbSNP rs1023875624, ClinGen allele CA362674780.

ClinVar aggregate classification (germline): Uncertain significance (1 of 4 stars; one submission).

Conditions:
Arrhythmogenic cardiomyopathy with wooly hair and keratoderma. Also called: Dilated cardiomyopathy with woolly hair and keratoderma; PALMOPLANTAR KERATODERMA WITH LEFT VENTRICULAR CARDIOMYOPATHY AND WOOLLY HAIR; Carvajal syndrome; Arrhythmogenic cardiomyopathy with woolly hair and keratoderma. Identifiers: Orphanet 65282, MedGen C1854063, MONDO:0011581, OMIM 605676.
Arrhythmogenic right ventricular dysplasia 8 (ARVD8). Also called: Arrhythmogenic Right Ventricular Dysplasia/Cardiomyopathy 8; ARRHYTHMOGENIC RIGHT VENTRICULAR DYSPLASIA, FAMILIAL, 8; ARRHYTHMOGENIC RIGHT VENTRICULAR CARDIOMYOPATHY 8. Identifiers: MedGen C1843896, MONDO:0011831, OMIM 607450.

Submission:

Labcorp Genetics (formerly Invitae), Labcorp
Classification: Uncertain significance for Arrhythmogenic cardiomyopathy with wooly hair and keratoderma; Arrhythmogenic right ventricular dysplasia 8. Last evaluated: 2021-08-05. Review status: criteria provided, single submitter. Criteria: Invitae Variant Classification Sherloc (09022015). Collection method: clinical testing. Allele origin: germline.
Comment: This variant is not present in population databases (ExAC no frequency). This variant has not been reported in the literature in individuals affected with DSP-related conditions. Algorithms developed to predict the effect of missense changes on protein structure and function are either unavailable or do not agree on the potential impact of this missense change (SIFT: "Deleterious"; PolyPhen-2: "Possibly Damaging"; Align-GVGD: "Class C0"). In summary, the available evidence is currently insufficient to determine the role of this variant in disease. Therefore, it has been classified as a Variant of Uncertain Significance. This sequence change replaces glutamine with histidine at codon 318 of the DSP protein (p.Gln318His). The glutamine residue is moderately conserved and there is a small physicochemical difference between glutamine and histidine.